The following is an entry in ClinVar:

ClinVar aggregate classification (germline): Uncertain significance (1 of 4 stars; one submission).

Conditions:
Inborn genetic diseases. Identifiers: MedGen C0950123, MeSH D030342.

Submission:

Ambry Genetics
Classification: Uncertain significance for Inborn genetic diseases. Last evaluated: 2018-09-27. Review status: criteria provided, single submitter. Criteria: Ambry Variant Classification Scheme 2023. Collection method: clinical testing. Allele origin: germline.
Comment: The p.V648L variant (also known as c.1942G>T), located in coding exon 11 of the SCN8A gene, results from a G to T substitution at nucleotide position 1942. The valine at codon 648 is replaced by leucine, an amino acid with highly similar properties. This amino acid position is highly conserved in available vertebrate species. In addition, this alteration is predicted to be deleterious by in silico analysis. Since supporting evidence is limited at this time, the clinical significance of this alteration remains unclear.

NM_001330260.2(SCN8A):c.1942G>T (p.Val648Leu)

Gene: SCN8A (sodium voltage-gated channel alpha subunit 8; plus strand). Cytogenetic location: 12q13.13.
Variant type: single nucleotide variant.
Coding change: c.1942G>T on transcript NM_001330260.2 (MANE Select); coding-DNA position 1942, G replaced by T.
Protein change: p.Val648Leu; replaces valine 648 with leucine.
Molecular consequence: missense variant.
Genome position (GRCh38, 1-based): chr12:51,721,852, G>T. VCF-style: chr12-51721852-G-T. GRCh37 (hg19) VCF-style: chr12-52115636-G-T.
Other names: c.1942G>T, p.Val648Leu (NM_001177984.3, NM_001369788.1, NM_014191.4); short protein forms V648L.
Identifiers: ClinVar variation 1783077 (VCV001783077.2), dbSNP rs1198938905, ClinGen allele CA385229908.
Genomic context (GRCh38, chr12:51,721,852, plus strand): 5'-CGCATCTTCCCCAGCCTGCGGCGCAGCGTGAAGCGCAACAGCACGGTGGACTGCAACGGC[G>T]TGGTGTCCCTCATCGGCGGCCCCGGCTCCCACATCGGCGGGCGTCTCCTGCCAGAGGTGA-3'
Protein context (NP_001317189.1, residues 638-658): KRNSTVDCNG[Val648Leu]VSLIGGPGSH